The following is an entry in ClinVar:

NM_005477.3(HCN4):c.3317del (p.Pro1106fs)

Gene: HCN4 (hyperpolarization activated cyclic nucleotide gated potassium channel 4; minus strand). Cytogenetic location: 15q24.1.
Variant type: Deletion.
Coding change: c.3317del on transcript NM_005477.3 (MANE Select); coding-DNA position 3317, one base deleted (C; older notation c.3317delC).
Protein change: p.Pro1106fs; shifts the reading frame from proline 1106.
Molecular consequence: frameshift variant.
Genome position (GRCh38, 1-based): chr15:73,322,776, G deleted on the plus strand (C on the coding strand, the reverse complement: HCN4 is on the minus strand); the first of 4 consecutive G bases (chr15:73,322,776-73,322,779); deleting any one gives the same sequence. VCF-style (leftmost placement, unchanged base first): chr15-73322775-CG-C. GRCh37 (hg19) VCF-style: chr15-73615116-CG-C.
Other names: short protein forms P1106fs.
Identifiers: ClinVar variation 1347374 (VCV001347374.8), dbSNP rs2151213907, ClinGen allele CA2573151085.

ClinVar aggregate classification (germline): Uncertain significance (1 of 4 stars; one submission).

Conditions:
Brugada syndrome 8 (BRGDA8). Identifiers: Orphanet 130, MedGen C2751083, MONDO:0013148, OMIM 613123.

Submission:

Labcorp Genetics (formerly Invitae), Labcorp
Classification: Uncertain significance for Brugada syndrome 8. Last evaluated: 2021-02-28. Review status: criteria provided, single submitter. Criteria: Invitae Variant Classification Sherloc (09022015). Collection method: clinical testing. Allele origin: germline.
Comment: This sequence change creates a premature translational stop signal (p.Pro1106Argfs*75) in the HCN4 gene. While this is not anticipated to result in nonsense mediated decay, it is expected to disrupt the last 98 amino acid(s) of the HCN4 protein. The frequency data for this variant in the population databases is considered unreliable, as metrics indicate insufficient coverage at this position in the ExAC database. This variant has not been reported in the literature in individuals with HCN4-related conditions. In summary, the available evidence is currently insufficient to determine the role of this variant in disease. Therefore, it has been classified as a Variant of Uncertain Significance.